The following is an entry in ClinVar:

NM_012414.4(RAB3GAP2):c.1814C>A (p.Pro605Gln)

Gene: RAB3GAP2 (RAB3 GTPase activating non-catalytic protein subunit 2; minus strand). Cytogenetic location: 1q41.
Variant type: single nucleotide variant.
Coding change: c.1814C>A on transcript NM_012414.4 (MANE Select); coding-DNA position 1814, C replaced by A.
Protein change: p.Pro605Gln; replaces proline 605 with glutamine.
Molecular consequence: missense variant.
Genome position (GRCh38, 1-based): chr1:220,185,707, G>T on the plus strand (C>A on the coding strand, the complement: RAB3GAP2 is on the minus strand). VCF-style: chr1-220185707-G-T. GRCh37 (hg19) VCF-style: chr1-220359049-G-T.
Other names: c.1814C>A (NM_012414.3); short protein forms P605Q.
Identifiers: ClinVar variation 2136765 (VCV002136765.5), dbSNP rs1225453170, ClinGen allele CA344644129.

ClinVar aggregate classification (germline): Uncertain significance. Review status: criteria provided, multiple submitters, no conflicts (2 of 4 stars). 2 submissions from 2 submitters: Uncertain significance (2). Last evaluated 2025-09-25.

Conditions:
Inborn genetic diseases. Identifiers: MedGen C0950123, MeSH D030342.
Warburg micro syndrome 2 (WARBM2). Also called: MICRO SYNDROME 2. Identifiers: Orphanet 2510, MedGen C3280214, MONDO:0013641, OMIM 614225.
Martsolf syndrome (MARTS). Also called: Congenital cataract with intellectual disability and hypogonadotropic hypogonadism syndrome. Identifiers: Orphanet 1387, MedGen C0796037, MONDO:0023910.

Submissions (2):

Ambry Genetics
Classification: Uncertain significance for Inborn genetic diseases. Last evaluated: 2025-09-25. Review status: criteria provided, single submitter. Criteria: Ambry Variant Classification Scheme 2023. Collection method: clinical testing. Allele origin: germline.

Labcorp Genetics (formerly Invitae), Labcorp
Classification: Uncertain significance for Martsolf syndrome; Warburg micro syndrome 2. Last evaluated: 2022-05-12. Review status: criteria provided, single submitter. Criteria: Invitae Variant Classification Sherloc (09022015). Collection method: clinical testing. Allele origin: germline.
Comment: In summary, the available evidence is currently insufficient to determine the role of this variant in disease. Therefore, it has been classified as a Variant of Uncertain Significance. Algorithms developed to predict the effect of missense changes on protein structure and function (SIFT, PolyPhen-2, Align-GVGD) all suggest that this variant is likely to be tolerated. This variant has not been reported in the literature in individuals affected with RAB3GAP2-related conditions. This variant is not present in population databases (gnomAD no frequency). This sequence change replaces proline, which is neutral and non-polar, with glutamine, which is neutral and polar, at codon 605 of the RAB3GAP2 protein (p.Pro605Gln).